The following is an entry in ClinVar:

NM_000038.6(APC):c.1290C>T (p.Gly430=)

Gene: APC (APC regulator of Wnt signaling pathway; plus strand). Cytogenetic location: 5q22.2.
Variant type: single nucleotide variant.
Coding change: c.1290C>T on transcript NM_000038.6 (MANE Select); coding-DNA position 1290, C replaced by T.
Protein change: p.Gly430=; no amino-acid change (glycine 430 retained).
Molecular consequence: synonymous variant.
Genome position (GRCh38, 1-based): chr5:112,819,322, C>T. VCF-style: chr5-112819322-C-T. GRCh37 (hg19) VCF-style: chr5-112155019-C-T.
Other names: p.G430G:GGC>GGT; c.1290C>T, p.Gly430= (NM_001127510.3, NM_001354895.2, NM_001354896.2); c.1236C>T, p.Gly412= (NM_001127511.3); c.1320C>T, p.Gly440= (NM_001354897.2); c.1215C>T, p.Gly405= (NM_001354898.2); c.1206C>T, p.Gly402= (NM_001354899.2); c.1113C>T, p.Gly371= (NM_001354900.2, NM_001354901.2); c.1017C>T, p.Gly339= (NM_001354902.2); and 4 more.
Identifiers: ClinVar variation 181786 (VCV000181786.60), dbSNP rs730881234, ClinGen allele CA004127.

ClinVar aggregate classification (germline): Uncertain significance. Review status: criteria provided, multiple submitters, no conflicts (2 of 4 stars). 6 submissions from 6 submitters: Uncertain significance (6). Last evaluated 2025-09-02.

Conditions:
Classic or attenuated familial adenomatous polyposis. Identifiers: MedGen CN372698, MONDO:0021057.
Hereditary cancer-predisposing syndrome. Also called: Tumor predisposition; Hereditary Cancer Syndrome; Hereditary neoplastic syndrome; Neoplastic Syndromes, Hereditary. Identifiers: Orphanet 140162, MedGen C0027672, MeSH D009386, MONDO:0015356.
Familial adenomatous polyposis 1 (FAP1). Also called: FAMILIAL ADENOMATOUS POLYPOSIS 1, ATTENUATED; POLYPOSIS, ADENOMATOUS INTESTINAL. Identifiers: MedGen C2713442, MONDO:0021056, OMIM 175100. Disease mechanism: loss of function.

Allele frequency attached by ClinVar (database versions not stated): TOPMed below 0.00001; ExAC 0.00001; gnomAD 0.00001; gnomAD exomes 0.00001.
gnomAD v4.1: 5 of 1,613,922 alleles (0.00031%); highest among the groups gnomAD compares: African/African-American, 0.0013%; no homozygotes.

Submissions (6):

Labcorp Genetics (formerly Invitae), Labcorp
Classification: Uncertain significance for Familial adenomatous polyposis 1. Last evaluated: 2025-09-02. Review status: criteria provided, single submitter. Criteria: Invitae Variant Classification Sherloc (09022015). Collection method: clinical testing. Allele origin: germline.
Comment: This sequence change affects codon 430 of the APC mRNA. It is a 'silent' change, meaning that it does not change the encoded amino acid sequence of the APC protein. RNA analysis indicates that this variant induces altered splicing and likely results in the loss of 9 and insertion of 1 amino acid residue(s), but is expected to preserve the integrity of the reading-frame. This variant is present in population databases (rs730881234, gnomAD 0.007%). This variant has not been reported in the literature in individuals affected with APC-related conditions. ClinVar contains an entry for this variant (Variation ID: 181786). Studies have shown that this variant results in the activation of a cryptic splice site in exon 9 (internal data). In summary, the available evidence is currently insufficient to determine the role of this variant in disease. Therefore, it has been classified as a Variant of Uncertain Significance.

Ambry Genetics
Classification: Uncertain significance for Hereditary cancer-predisposing syndrome. Last evaluated: 2025-08-05. Review status: criteria provided, single submitter. Criteria: Ambry Variant Classification Scheme 2023. Collection method: clinical testing. Allele origin: germline.
Comment: The c.1290C>T variant (also known as p.G430G), located in coding exon 9 of the APC gene, results from a C to T substitution at nucleotide position 1290. This nucleotide substitution does not change the amino acid at codon 430. This variant was detected as heterozygous in individual(s) with no reported features of familial adenomatous polyposis (Ambry internal data). This nucleotide position is well conserved in available vertebrate species. In silico splice site analysis predicts that this alteration will weaken the native splice donor site and will result in the creation or strengthening of a novel splice donor site. RNA studies have demonstrated that this alteration results in a transcript predicted to lead to a protein with an in-frame deletion of 9 amino acids; however, the exact functional impact of the deleted amino acids is unknown at this time (Ambry internal data). Based on the available evidence, the clinical significance of this variant remains unclear.

Quest Diagnostics Nichols Institute San Juan Capistrano
Classification: Uncertain significance. Last evaluated: 2024-07-11. Review status: criteria provided, single submitter. Criteria: Quest Diagnostics criteria. Collection method: clinical testing. Allele origin: unknown.
Comment: The APC c.1290C>T (p.Gly430=) synonymous variant has not been reported in individuals with APC-related conditions in the published literature. The frequency of this variant in the general population, 0.000008 (2/250774 chromosomes (Genome Aggregation Database)), is uninformative in the assessment of its pathogenicity. Analysis of this variant using software algorithms for the prediction of the effect of nucleotide changes on APC mRNA splicing yielded predictions that this variant may result in the gain of a cryptic splice site without affecting the natural splice sites. Based on the available information, we are unable to determine the clinical significance of this variant.

GeneDx
Classification: Uncertain significance. Last evaluated: 2023-12-17. Review status: criteria provided, single submitter. Criteria: GeneDx Variant Classification Process June 2021. Collection method: clinical testing. Allele origin: germline. Affected: yes.
Comment: Not observed at significant frequency in large population cohorts (gnomAD); In silico analysis supports a deleterious effect on splicing; Has not been previously published as pathogenic or benign to our knowledge

All of Us Research Program, National Institutes of Health
Classification: Uncertain significance for Classic or attenuated familial adenomatous polyposis. Last evaluated: 2023-05-04. Review status: criteria provided, single submitter. Criteria: ACMG Guidelines, 2015. Collection method: clinical testing. Allele origin: germline. Inheritance: Autosomal dominant inheritance. Observed: 1 variant allele, 1 heterozygote.
Comment: This synonymous variant causes a nucleotide substitution but does not change the encoded amino acid at codon 430 of the APC protein. Splice site prediction tools suggest that this variant may impact RNA splicing. To our knowledge, functional studies have not been reported for this variant. This variant has not been reported in individuals affected with APC-related disorders in the literature. This variant has been identified in 2/250774 chromosomes in the general population by the Genome Aggregation Database (gnomAD). The available evidence is insufficient to determine the role of this variant in disease conclusively. Therefore, this variant is classified as a Variant of Uncertain Significance.

This study involves interpretation of variants in research participants for the purpose of population health screening. Participant phenotype was not available at the time of variant classification. Additional details can be found in publication PMID: 35346344, PMCID: PMC8962531

Women's Health and Genetics/Laboratory Corporation of America, LabCorp
Classification: Uncertain significance. Last evaluated: 2023-01-16. Review status: criteria provided, single submitter. Criteria: LabCorp Variant Classification Summary - May 2015. Collection method: clinical testing. Allele origin: germline.
Comment: Variant summary: APC c.1290C>T alters a non-conserved nucleotide resulting in a synonymous change. Several computational tools predict a significant impact on normal splicing: 4 predict the variant creates/strengthens a cryptic 5' splicing donor site. However, these predictions have yet to be confirmed by functional studies. The variant allele was found at a frequency of 8e-06 in 250774 control chromosomes. The available data on variant occurrences in the general population are insufficient to allow any conclusion about variant significance. To our knowledge, no occurrence of c.1290C>T in individuals affected with Familial Adenomatous Polyposis and no experimental evidence demonstrating its impact on protein function have been reported. Three submitters have provided clinical-significance assessments for this variant to ClinVar after 2014, and all classified the variant as uncertain significance. Based on the evidence outlined above, the variant was classified as uncertain significance.